The following is an entry in ClinVar:

NM_000535.7(PMS2):c.2356C>A (p.Leu786Met)

Gene: PMS2 (PMS1 homolog 2, mismatch repair system component; minus strand). Cytogenetic location: 7p22.1.
Variant type: single nucleotide variant.
Coding change: c.2356C>A on transcript NM_000535.7 (MANE Select); coding-DNA position 2356, C replaced by A.
Protein change: p.Leu786Met; replaces leucine 786 with methionine.
Molecular consequence: missense variant. On other transcripts: non-coding transcript variant (1).
Genome position (GRCh38, 1-based): chr7:5,977,677, G>T on the plus strand (C>A on the coding strand, the complement: PMS2 is on the minus strand). VCF-style: chr7-5977677-G-T. GRCh37 (hg19) VCF-style: chr7-6017308-G-T.
Other names: c.2038C>A, p.Leu680Met (NM_001322008.2, NM_001322007.2); c.1951C>A, p.Leu651Met (NM_001322003.2, NM_001322004.2, NM_001322005.2); c.2200C>A, p.Leu734Met (NM_001322006.2); c.1984C>A, p.Leu662Met (NM_001322009.2); c.1795C>A, p.Leu599Met (NM_001322010.2); c.1423C>A, p.Leu475Met (NM_001322011.2, NM_001322012.2); c.1783C>A, p.Leu595Met (NM_001322013.2); c.2389C>A, p.Leu797Met (NM_001322014.2); and 1 more; short protein forms L786M, L599M, L651M, L680M, L683M, L734M, L662M, L797M.
Identifiers: ClinVar variation 142421 (VCV000142421.87), dbSNP rs576055272, ClinGen allele CA011333.

ClinVar aggregate classification (germline): Conflicting classifications of pathogenicity. Review status: criteria provided, conflicting classifications (1 of 4 stars). 22 submissions from 22 submitters: Uncertain significance (2); Benign (10); Likely benign (6). 4 of the submissions do not count toward it. Last evaluated 2026-07-01.

Conditions:
Hereditary nonpolyposis colorectal neoplasms. Identifiers: MedGen C0009405, MeSH D003123.
Breast and/or ovarian cancer. Identifiers: MedGen CN221562.
Hereditary cancer-predisposing syndrome. Also called: Neoplastic Syndromes, Hereditary; Tumor predisposition; Hereditary neoplastic syndrome; Hereditary Cancer Syndrome. Identifiers: Orphanet 140162, MedGen C0027672, MeSH D009386, MONDO:0015356.
Lynch syndrome 4 (LYNCH4). Also called: Colorectal cancer, hereditary nonpolyposis, type 4; Hereditary non-polyposis colorectal cancer, type 4. Identifiers: Orphanet 144, MedGen C1838333, MONDO:0013699, OMIM 614337. Disease mechanism: loss of function.

Allele frequency attached by ClinVar (database versions not stated): gnomAD 0.00004 and 0.00031; gnomAD exomes 0.00114; ExAC 0.00127; 1000 Genomes Project 30x 0.00156; 1000 Genomes Project 0.00180.

Submissions 1 to 20 of 22:

CeGaT Center for Human Genetics Tuebingen
Classification: Likely benign. Last evaluated: 2026-07-01. Review status: criteria provided, single submitter. Criteria: CeGaT Center For Human Genetics Tuebingen Variant Classification Criteria Version 2. Collection method: clinical testing. Allele origin: germline. Affected: yes. Observed: 6 variant alleles.
Comment: PMS2: BS2

Labcorp Genetics (formerly Invitae), Labcorp
Classification: Benign for Hereditary nonpolyposis colorectal neoplasms. Last evaluated: 2026-02-02. Review status: criteria provided, single submitter. Criteria: Invitae Variant Classification Sherloc (09022015). Collection method: clinical testing. Allele origin: germline.

Quest Diagnostics Nichols Institute San Juan Capistrano
Classification: Benign. Last evaluated: 2025-10-16. Review status: criteria provided, single submitter. Criteria: Quest Diagnostics criteria. Collection method: clinical testing. Allele origin: unknown.

Mayo Clinic Laboratories, Mayo Clinic
Classification: Benign. Last evaluated: 2025-08-26. Review status: criteria provided, single submitter. Criteria: ACMG Guidelines, 2015. Collection method: clinical testing. Allele origin: germline. Observed: 3 variant alleles.
Comment: BA1

Center for Genomic Medicine, Rigshospitalet, Copenhagen University Hospital
Classification: Benign. Last evaluated: 2025-03-04. Review status: criteria provided, single submitter. Criteria: ACMG Guidelines, 2015. Collection method: clinical testing. Allele origin: germline.

Blueprint Genetics
Classification: Likely benign. Last evaluated: 2024-11-26. Review status: criteria provided, single submitter. Criteria: ACMG Guidelines, 2015. Collection method: clinical testing. Allele origin: germline.

Institute for Biomarker Research, Medical Diagnostic Laboratories, L.L.C.
Classification: Benign for Hereditary cancer-predisposing syndrome. Last evaluated: 2023-10-10. Review status: criteria provided, single submitter. Criteria: ACMG Guidelines, 2015. Collection method: clinical testing. Allele origin: germline.

CHEO Genetics Diagnostic Laboratory, Children's Hospital of Eastern Ontario
Classification: Benign for Breast and/or ovarian cancer. Last evaluated: 2023-04-25. Review status: criteria provided, single submitter. Criteria: ACMG Guidelines, 2015. Collection method: clinical testing. Allele origin: germline.

Myriad Genetics, Inc.
Classification: Likely benign for Lynch syndrome 4. Last evaluated: 2023-04-04. Review status: criteria provided, single submitter. Criteria: Myriad Autosomal Dominant, Autosomal Recessive and X-Linked Classification Criteria (2023). Collection method: clinical testing. Allele origin: unknown.
Comment: This variant is considered likely benign. Homozygosity for this variant has been confirmed in one or more individuals lacking clinical features consistent with gene-specific recessive disease, indicating that this variant is unlikely to be pathogenic.

Color Diagnostics, LLC DBA Color Health
Classification: Benign for Hereditary cancer-predisposing syndrome. Last evaluated: 2023-01-05. Review status: criteria provided, single submitter. Criteria: ACMG Guidelines, 2015. Collection method: clinical testing. Allele origin: germline.

Sema4
Classification: Benign for Hereditary cancer-predisposing syndrome. Last evaluated: 2020-10-19. Review status: criteria provided, single submitter. Criteria: Sema4 Curation Guidelines. Collection method: curation. Allele origin: germline.

Genomic Research Center, Shahid Beheshti University of Medical Sciences
Classification: Benign for Hereditary cancer-predisposing syndrome. Last evaluated: 2020-05-03. Review status: criteria provided, single submitter. Criteria: ACMG Guidelines, 2015. Collection method: clinical testing. Allele origin: unknown. Affected: yes.

Women's Health and Genetics/Laboratory Corporation of America, LabCorp
Classification: Likely benign. Last evaluated: 2019-01-23. Review status: criteria provided, single submitter. Criteria: LabCorp Variant Classification Summary - May 2015. Collection method: clinical testing. Allele origin: germline.
Comment: Variant summary: PMS2 c.2356C>A (p.Leu786Met) results in a conservative amino acid change located in the MutL, C-terminal, dimerization domain of the encoded protein sequence. Three of five in-silico tools predict a benign effect of the variant on protein function. The variant allele was found at a frequency of 0.0012 in 244884 control chromosomes, predominantly at a frequency of 0.0087 within the South Asian subpopulation in the gnomAD database, including 9 homozygotes. The observed variant frequency within South Asian control individuals in the gnomAD database is approximately 77 fold of the estimated maximal expected allele frequency for a pathogenic variant in PMS2 causing Lynch Syndrome phenotype (0.00011), strongly suggesting that the variant is a benign polymorphism found primarily in populations of South Asian origin. However, this observance needs to be cautiously considered due to the possibility of the PMS2 pseudogene being captured, although the observance of a total of 10 homozygotes does support the actual PMS2 gene being captured. c.2356C>A has been reported in the literature in individuals with a personal or family history of cancer including colorectal cancer and breast cancer (Yadav 2017, Tung 2015, Roy 2009). However, these reports do not provide unequivocal conclusions about association of the variant with Lynch Syndrome. To our knowledge, no experimental evidence demonstrating an impact on protein function has been reported. Six ClinVar submissions from clinical diagnostic laboratories and reputable databases (evaluation after 2014) cite the variant as benign (2x), likely benign (1x) and three times as uncertain significance. Based on the evidence outlined above, the variant was classified as likely benign.

GeneKor MSA
Classification: Uncertain significance for Hereditary cancer-predisposing syndrome. Last evaluated: 2018-08-01. Review status: criteria provided, single submitter. Criteria: ACMG Guidelines, 2015. Collection method: clinical testing. Allele origin: germline. Affected: yes.

Illumina Laboratory Services, Illumina
Classification: Benign for Lynch syndrome 4. Last evaluated: 2018-07-23. Review status: criteria provided, single submitter. Criteria: ICSL Variant Classification Criteria 13 December 2019. Collection method: clinical testing. Allele origin: germline.
Comment: This variant was observed as part of a predisposition screen in an ostensibly healthy population. A literature search was performed for the gene, cDNA change, and amino acid change (where applicable). Publications were found based on this search. The evidence from the literature, in combination with allele frequency data from public databases where available, was sufficient to rule this variant out of causing disease. Therefore, this variant is classified as benign.

Ambry Genetics
Classification: Likely benign for Hereditary cancer-predisposing syndrome. Last evaluated: 2018-05-07. Review status: criteria provided, single submitter. Criteria: Ambry Variant Classification Scheme 2023. Collection method: clinical testing. Allele origin: germline.

GeneDx
Classification: Uncertain significance. Last evaluated: 2017-11-17. Review status: criteria provided, single submitter. Criteria: GeneDx Variant Classification (06012015). Collection method: clinical testing. Allele origin: germline. Affected: yes.
Comment: This variant is denoted PMS2 c.2356C>A at the cDNA level, p.Leu786Met (L786M) at the protein level, and results in the change of a Leucine to a Methionine (CTG>ATG). PMS2 Leu786Met was identified in at least one individual among a cohort of 145 patients who underwent PMS2 clinical testing, as well as in an individual with previously negative BRCA1/2 analysis (Vaughn 2010, Yadav 2016). Although this variant was observed in large population cohorts, population data in this region of PMS2 are not considered reliable due to high pseudogene homology (Lek 2016). PMS2 Leu786Met is located in the Endonuclease domain (Fukui 2011). In-silico analysis, including protein predictors and evolutionary conservation, supports that this variant does not alter protein structure or function. Based on currently available evidence, it is unclear whether PMS2 Leu786Met is a pathogenic or benign variant. We consider it to be a variant of uncertain significance.

PreventionGenetics, part of Exact Sciences
Classification: Likely benign. Review status: criteria provided, single submitter. Criteria: ACMG Guidelines, 2015. Collection method: clinical testing. Allele origin: germline.

Counsyl
Classification: Uncertain significance for Lynch syndrome 4. Last evaluated: 2017-07-07. Review status: no assertion criteria provided. Collection method: clinical testing. Allele origin: unknown. Not counted in ClinVar's aggregate classification.

Clinical Genetics, Academic Medical Center
Classification: Likely benign. Review status: no assertion criteria provided. Collection method: clinical testing. Allele origin: germline. Affected: yes. Study: VKGL Data-share Consensus. Not counted in ClinVar's aggregate classification.